The following is an entry in ClinVar:

NM_001061.7(TBXAS1):c.785T>C (p.Val262Ala)

Gene: TBXAS1 (thromboxane A synthase 1; plus strand). Cytogenetic location: 7q34.
Variant type: single nucleotide variant.
Coding change: c.785T>C on transcript NM_001061.7 (MANE Select); coding-DNA position 785, T replaced by C.
Protein change: p.Val262Ala; replaces valine 262 with alanine.
Molecular consequence: missense variant.
Genome position (GRCh38, 1-based): chr7:139,957,730, T>C. VCF-style: chr7-139957730-T-C. GRCh37 (hg19) VCF-style: chr7-139657529-T-C.
Other names: c.785T>C, p.Val262Ala (NM_001130966.5, NM_030984.6); c.923T>C, p.Val308Ala (NM_001166253.4); c.584T>C, p.Val195Ala (NM_001166254.4); c.728T>C, p.Val243Ala (NM_001314028.4); c.602T>C, p.Val201Ala (NM_001366537.3); short protein forms V262A, V195A, V308A, V201A, V243A, V263A, V309A.
Identifiers: ClinVar variation 1929097 (VCV001929097.5), dbSNP rs2535766434, ClinGen allele CA369582850.

ClinVar aggregate classification (germline): Uncertain significance (1 of 4 stars; one submission).

Submission:

Labcorp Genetics (formerly Invitae), Labcorp
Classification: Uncertain significance. Last evaluated: 2024-10-07. Review status: criteria provided, single submitter. Criteria: Invitae Variant Classification Sherloc (09022015). Collection method: clinical testing. Allele origin: germline.
Comment: This sequence change replaces valine, which is neutral and non-polar, with alanine, which is neutral and non-polar, at codon 263 of the TBXAS1 protein (p.Val263Ala). This variant is not present in population databases (gnomAD no frequency). This variant has not been reported in the literature in individuals affected with TBXAS1-related conditions. ClinVar contains an entry for this variant (Variation ID: 1929097). An algorithm developed to predict the effect of missense changes on protein structure and function (PolyPhen-2) suggests that this variant is likely to be tolerated. In summary, the available evidence is currently insufficient to determine the role of this variant in disease. Therefore, it has been classified as a Variant of Uncertain Significance.